The following is an entry in ClinVar:

NM_133443.4(GPT2):c.1337T>C (p.Phe446Ser)

Gene: GPT2 (glutamic--pyruvic transaminase 2; plus strand). Cytogenetic location: 16q11.2.
Variant type: single nucleotide variant.
Coding change: c.1337T>C on transcript NM_133443.4 (MANE Select); coding-DNA position 1337, T replaced by C.
Protein change: p.Phe446Ser; replaces phenylalanine 446 with serine.
Molecular consequence: missense variant.
Genome position (GRCh38, 1-based): chr16:46,924,513, T>C. VCF-style: chr16-46924513-T-C. GRCh37 (hg19) VCF-style: chr16-46958425-T-C.
Other names: c.1037T>C, p.Phe346Ser (NM_001142466.3); short protein forms F346S, F446S.
Identifiers: ClinVar variation 3855541 (VCV003855541.2).

ClinVar aggregate classification (germline): Uncertain significance. Review status: criteria provided, multiple submitters, no conflicts (2 of 4 stars). 2 submissions from 2 submitters: Uncertain significance (2). Last evaluated 2025-08-08.

Conditions:
Inborn genetic diseases. Identifiers: MedGen C0950123, MeSH D030342.

gnomAD v4.1: 20 of 1,614,236 alleles (0.0012%); highest among the groups gnomAD compares: African/African-American, 0.021%; no homozygotes.

Submissions (2):

GeneDx
Classification: Uncertain significance. Last evaluated: 2025-08-08. Review status: criteria provided, single submitter. Criteria: GeneDx Variant Classification Process June 2021. Collection method: clinical testing. Allele origin: germline. Affected: yes.
Comment: In silico analysis suggests that this missense variant does not alter protein structure/function; Has not been previously published as pathogenic or benign to our knowledge

Ambry Genetics
Classification: Uncertain significance for Inborn genetic diseases. Last evaluated: 2025-02-22. Review status: criteria provided, single submitter. Criteria: Ambry Variant Classification Scheme 2023. Collection method: clinical testing. Allele origin: germline.